The following is an entry in ClinVar:

NM_007294.4(BRCA1):c.4948_4951del (p.Met1650fs)

Gene: BRCA1 (BRCA1 DNA repair associated; minus strand). Cytogenetic location: 17q21.31.
Variant type: Deletion.
Coding change: c.4948_4951del on transcript NM_007294.4 (MANE Select); coding-DNA positions 4948 to 4951, 4 bases deleted (ATGT; older notation c.4948_4951delATGT).
Protein change: p.Met1650fs; shifts the reading frame from methionine 1650.
Molecular consequence: frameshift variant. On other transcripts: intron variant (1).
Genome position (GRCh38, 1-based): chr17:43,070,963-43,070,966, ACAT deleted on the plus strand (ATGT on the coding strand, the reverse complement: BRCA1 is on the minus strand). VCF-style (leftmost placement, unchanged base first): chr17-43070962-GACAT-G. GRCh37 (hg19) VCF-style: chr17-41222979-GACAT-G.
Other names: c.1633_1636del, p.Met545fs (NM_001408402.1, NM_001408403.1, NM_001408404.1 and 8 more transcripts); c.1630_1633del, p.Met544fs (NM_001408406.1, NM_001408408.1, NM_001408407.1); c.1627_1630del, p.Met543fs (NM_001408409.1); c.1564_1567del, p.Met522fs (NM_001408410.1); c.4060_4063del, p.Met1354fs (NM_001407966.1); c.4057_4060del, p.Met1353fs (NM_001407967.1); c.2344_2347del, p.Met782fs (NM_001407968.1); c.2341_2344del, p.Met781fs (NM_001407969.1); and 72 more; short protein forms M1537fs, M1583fs, M1601fs, M1607fs, M1630fs, M1671fs, M433fs, M459fs.
Identifiers: ClinVar variation 2809998 (VCV002809998.3), dbSNP rs2550829388, ClinGen allele CA2739265580.

ClinVar aggregate classification (germline): Pathogenic (1 of 4 stars; one submission).

Conditions:
Hereditary breast ovarian cancer syndrome. Also called: Hereditary breast and ovarian cancer; Hereditary breast and ovarian cancer syndrome; Breast and ovarian cancer; BRCA1- and BRCA2-Associated Hereditary Breast and Ovarian Cancer; Hereditary breast and ovarian cancer syndrome (HBOC); Hereditary breast and/or ovarian cancer syndrome. Identifiers: Orphanet 145, MedGen C0677776, MeSH D061325, MONDO:0003582. Disease mechanism: loss of function.

Submission:

Labcorp Genetics (formerly Invitae), Labcorp
Classification: Pathogenic for Hereditary breast ovarian cancer syndrome. Last evaluated: 2022-10-27. Review status: criteria provided, single submitter. Criteria: Invitae Variant Classification Sherloc (09022015). Collection method: clinical testing. Allele origin: germline.
Comment: This sequence change creates a premature translational stop signal (p.Met1650Profs*7) in the BRCA1 gene. It is expected to result in an absent or disrupted protein product. Loss-of-function variants in BRCA1 are known to be pathogenic (PMID: 20104584). This variant is not present in population databases (gnomAD no frequency). This variant has not been reported in the literature in individuals affected with BRCA1-related conditions. For these reasons, this variant has been classified as Pathogenic.

Literature cited by the submitters: PubMed 20104584.